The following is an entry in ClinVar:

ClinVar aggregate classification (germline): Uncertain significance (1 of 4 stars; one submission).

Submission:

GeneDx
Classification: Uncertain significance. Last evaluated: 2024-09-24. Review status: criteria provided, single submitter. Criteria: GeneDx Variant Classification Process June 2021. Collection method: clinical testing. Allele origin: germline. Affected: yes.
Comment: In-frame deletion of 12 amino acid(s) in a non-repeat region; Not observed at significant frequency in large population cohorts (gnomAD); In silico analysis supports a deleterious effect on protein structure/function; Has not been previously published as pathogenic or benign to our knowledge

NM_022893.4(BCL11A):c.2080_2115del (p.Asn694_Glu705del)

Gene: BCL11A (BCL11 transcription factor A; minus strand). Cytogenetic location: 2p16.1.
Variant type: Deletion.
Coding change: c.2080_2115del on transcript NM_022893.4 (MANE Select); coding-DNA positions 2080 to 2115, 36 bases deleted.
Protein change: p.Asn694_Glu705del.
Molecular consequence: intron variant (on NM_138559.2).
Genome position (GRCh38, 1-based): chr2:60,460,797-60,460,832, 36 bases deleted; deleting any 36 consecutive bases within chr2:60,460,797-60,460,836 gives the same sequence; the c. name uses the placement nearest the transcript's 3' end. GRCh37 (hg19): chr2:60,687,936-60,687,971.
Other names: c.1978_2013del, p.Asn660_Glu671del (NM_001363864.1, NM_001365609.1, NM_001405711.1 and 2 more transcripts); c.2080_2115del, p.Asn694_Glu705del (NM_001405708.1, NM_001405709.1, NM_001405710.1 and 1 more transcripts); c.1924_1959del, p.Asn642_Glu653del (NM_001405713.1, NM_001405714.1, NM_001405715.1 and 3 more transcripts); c.1822_1857del, p.Asn608_Glu619del (NM_001405717.1, NM_001405718.1, NM_001405724.1); c.1747_1782del, p.Asn583_Glu594del (NM_001405720.1, NM_001405721.1); c.1624_1659del, p.Asn542_Glu553del (NM_001405725.1, NM_001405726.1, NM_001405727.1 and 1 more transcripts); c.1387_1422del, p.Asn463_Glu474del (NM_001405729.1); c.1543_1578del, p.Asn515_Glu526del (NM_001405730.1); and 5 more.
Identifiers: ClinVar variation 3773912 (VCV003773912.1).